The following is an entry in ClinVar:

ClinVar aggregate classification (germline): Likely benign. Review status: criteria provided, multiple submitters, no conflicts (2 of 4 stars). 3 submissions from 3 submitters: Likely benign (3). Last evaluated 2025-11-13.

Conditions:
Autosomal dominant Alport syndrome (ATS3A). Also called: Alport syndrome dominant type; Renal failure and sensorineural hearing loss; ALPORT SYNDROME 3A, AUTOSOMAL DOMINANT. Identifiers: Orphanet 63, Orphanet 88918, MedGen C5882663, MONDO:0007086, OMIM 104200.
Autosomal recessive Alport syndrome (ATS2). Also called: COL4A4 Alport Syndrome and Thin Basement Membrane Nephropathy; ALPORT SYNDROME 2, AUTOSOMAL RECESSIVE; COL4A3-Related Nephropathy; Alport syndrome type 2. Identifiers: Orphanet 63, Orphanet 88919, MedGen C4746745, MONDO:0008762, OMIM 203780.
Benign familial hematuria. Also called: thin basement membrane disease. Identifiers: MedGen C0241908, MONDO:0957317.

Allele frequency attached by ClinVar (database versions not stated): TOPMed 0.00002; gnomAD 0.00003; gnomAD exomes 0.00003; ExAC 0.00005; 1000 Genomes Project 30x 0.00016; 1000 Genomes Project 0.00020.
gnomAD v4.1: 54 of 1,613,970 alleles (0.0033%); highest among the groups gnomAD compares: South Asian, 0.0055%; no homozygotes.

Submissions (3):

Labcorp Genetics (formerly Invitae), Labcorp
Classification: Likely benign. Last evaluated: 2025-11-13. Review status: criteria provided, single submitter. Criteria: Invitae Variant Classification Sherloc (09022015). Collection method: clinical testing. Allele origin: germline.

CeGaT Center for Human Genetics Tuebingen
Classification: Likely benign. Last evaluated: 2022-06-01. Review status: criteria provided, single submitter. Criteria: CeGaT Center For Human Genetics Tuebingen Variant Classification Criteria Version 2. Collection method: clinical testing. Allele origin: germline. Affected: yes. Observed: 1 variant allele.
Comment: COL4A3: BP4, BP7

Fulgent Genetics
Classification: Likely benign for Autosomal dominant Alport syndrome; Hematuria, benign familial, 1; Autosomal recessive Alport syndrome. Last evaluated: 2021-11-12. Review status: criteria provided, single submitter. Criteria: ACMG Guidelines, 2015. Collection method: clinical testing. Allele origin: unknown.

NM_000091.5(COL4A3):c.714G>A (p.Pro238=)

Genes: COL4A3 (collagen type IV alpha 3 chain; plus strand), MFF-DT (MFF divergent transcript; minus strand). Cytogenetic location: 2q36.3.
Variant type: single nucleotide variant.
Coding change: c.714G>A on transcript NM_000091.5 (MANE Select); coding-DNA position 714, G replaced by A.
Protein change: p.Pro238=; no amino-acid change (proline 238 retained).
Molecular consequence: synonymous variant.
Genome position (GRCh38, 1-based): chr2:227,253,587, G>A. VCF-style: chr2-227253587-G-A. GRCh37 (hg19) VCF-style: chr2-228118303-G-A.
Identifiers: ClinVar variation 750930 (VCV000750930.36), dbSNP rs555225084, ClinGen allele CA2146327.